The following is an entry in ClinVar:

NM_000233.4(LHCGR):c.55_56insTGCTGAAGCTGCTGCTGCTGCTGCAGCTGCAGC (p.Gln18_Pro19insLeuLeuLysLeuLeuLeuLeuLeuGlnLeuGln)

Genes: LHCGR (luteinizing hormone/choriogonadotropin receptor; minus strand), STON1-GTF2A1L (STON1-GTF2A1L readthrough; plus strand). Cytogenetic location: 2p16.3.
Variant type: Microsatellite.
Coding change: c.55_56insTGCTGAAGCTGCTGCTGCTGCTGCAGCTGCAGC on transcript NM_000233.4 (MANE Select); coding-DNA positions 55 to 56, TGCTGAAGCTGCTGCTGCTGCTGCAGCTGCAGC inserted.
Protein change: p.Gln18_Pro19insLeuLeuLysLeuLeuLeuLeuLeuGlnLeuGln.
Molecular consequence: inframe insertion. On other transcripts: intron variant (1).
Genome position: GRCh38: chr2:48,755,617-48,755,624. GRCh37 (hg19): chr2:48,982,756-48,982,763.
Other names: c.55_56insTGCTGAAGCTGCTGCTGCTGCTGCAGCTGCAGC (NM_000233.3); c.3442-20656_3442-20655insTGCAGCAGCAGCAGCAGCTTCAGCAGCTGCAGC (NM_001198593.2).
Identifiers: ClinVar variation 14405 (VCV000014405.7), dbSNP rs71245621.

ClinVar aggregate classification (germline): Pathogenic/Likely pathogenic. Review status: criteria provided, multiple submitters, no conflicts (2 of 4 stars). 3 submissions from 3 submitters: Pathogenic (1); Likely pathogenic (1). 1 of the submissions does not count toward it. Last evaluated 2024-11-21.

Conditions:
LHCGR-related disorder. Also called: LHCGR-related condition.
Leydig cell agenesis. Also called: HYPERGONADOTROPIC HYPOGONADISM, MALE, DUE TO LHCGR DEFECT; LEYDIG CELL HYPOPLASIA WITH MALE PSEUDOHERMAPHRODITISM; LEYDIG CELL HYPOPLASIA, COMPLETE; Leydig cell hypoplasia, type 1. Identifiers: MedGen C0266432, MONDO:0009384, OMIM 238320.

Submissions (3):

PreventionGenetics, part of Exact Sciences
Classification: Likely pathogenic for LHCGR-related condition. Last evaluated: 2024-11-21. Review status: criteria provided, single submitter. Criteria: ACMG Guidelines, 2015. Collection method: clinical testing. Allele origin: germline.
Comment: The LHCGR c.55_56insTGCTGAAGCTGCTGCTGCTGCTGCAGCTGCAGC variant is predicted to result in an in-frame amino acid insertion (p.Gln18_Pro19insLeuLeuLysLeuLeuLeuLeuLeuGlnLeuGln). This variant has been reported in the compound heterozygous state in individuals with leydig cell hypoplasia (Wu et al. 1998. PubMed ID: 9817592; Richter-Unruh et al. 2002. PubMed ID: 11849253; Hassan H. et al. 2024. PubMed ID: 38526829). Experimental studies showed that the allele with this variant was not expressed due to reduced signal transduction and hormone binding (Wu et al. 1998. PubMed ID: 9817592). This variant is reported in 0.016% of alleles in individuals of African descent in gnomAD. This variant is interpreted as likely pathogenic.

Labcorp Genetics (formerly Invitae), Labcorp
Classification: Pathogenic. Last evaluated: 2023-08-04. Review status: criteria provided, single submitter. Criteria: Invitae Variant Classification Sherloc (09022015). Collection method: clinical testing. Allele origin: germline.
Comment: This variant is also known as insLLKLLLLLQ[LQ]. For these reasons, this variant has been classified as Pathogenic. Experimental studies have shown that this variant affects LHCGR function (PMID: 9817592). Algorithms developed to predict the effect of variants on protein structure and function are not available or were not evaluated for this variant. This variant has been observed in individual(s) with autosomal recessive 46, XY leydig cell hypoplasia (PMID: 9817592, 11849253). In at least one individual the data is consistent with being in trans (on the opposite chromosome) from a pathogenic variant. It has also been observed to segregate with disease in related individuals. This variant is present in population databases (no rsID available, gnomAD 0.02%). This variant, c.55_56ins33, results in the insertion of 11 amino acid(s) of the LHCGR protein (p.Gln18_Pro19ins11), but otherwise preserves the integrity of the reading frame.

OMIM
Classification: Pathogenic for LEYDIG CELL HYPOPLASIA, TYPE I. Last evaluated: 1998-11-01. Review status: no assertion criteria provided. Collection method: literature only. Allele origin: germline. Not counted in ClinVar's aggregate classification.

Literature cited by the submitters: PubMed 9817592 (cited by Labcorp Genetics (formerly Invitae), Labcorp and OMIM); PubMed 11849253 (cited by Labcorp Genetics (formerly Invitae), Labcorp); PubMed 7581384 (cited by OMIM).